The following is an entry in ClinVar:

NM_001105206.3(LAMA4):c.2814G>T (p.Arg938Ser)

Genes: LAMA4 (laminin subunit alpha 4; minus strand), LOC126859766 (MED14-independent group 3 enhancer GRCh37_chr6:112462018-112463217; plus strand). Cytogenetic location: 6q21.
Variant type: single nucleotide variant.
Coding change: c.2814G>T on transcript NM_001105206.3 (MANE Select); coding-DNA position 2814, G replaced by T.
Protein change: p.Arg938Ser; replaces arginine 938 with serine.
Molecular consequence: missense variant.
Genome position (GRCh38, 1-based): chr6:112,140,922, C>A on the plus strand (G>T on the coding strand, the complement: LAMA4 is on the minus strand). VCF-style: chr6-112140922-C-A. GRCh37 (hg19) VCF-style: chr6-112462124-C-A.
Other names: c.2793G>T, p.Arg931Ser (NM_001105207.3, NM_002290.5); short protein forms R931S, R938S.
Identifiers: ClinVar variation 2562636 (VCV002562636.2), dbSNP rs1554333028, ClinGen allele CA365380039.

ClinVar aggregate classification (germline): Uncertain significance (1 of 4 stars; one submission).

Conditions:
Cardiovascular phenotype. Identifiers: MedGen CN230736.

Allele frequency attached by ClinVar (database versions not stated): gnomAD exomes below 0.00001.
gnomAD v4.1: 2 of 1,609,664 alleles (0.00012%); highest among the groups gnomAD compares: Admixed American, 0.0017%; no homozygotes.

Submission:

Ambry Genetics
Classification: Uncertain significance for Cardiovascular phenotype. Last evaluated: 2023-05-26. Review status: criteria provided, single submitter. Criteria: Ambry Variant Classification Scheme 2023. Collection method: clinical testing. Allele origin: germline.
Comment: The p.R931S variant (also known as c.2793G>T) is located in coding exon 21 of the LAMA4 gene. The arginine at codon 931 is replaced by serine, an amino acid with dissimilar properties. This change occurs in the first base pair of coding exon 21. This amino acid position is conserved. In addition, this alteration is predicted to be deleterious by in silico analysis. Since supporting evidence is limited at this time, the clinical significance of this alteration remains unclear.